The following is an entry in ClinVar:

NM_000182.5(HADHA):c.1823G>C (p.Gly608Ala)

Genes: GAREM2 (GRB2 associated regulator of MAPK1 subtype 2; plus strand), HADHA (hydroxyacyl-CoA dehydrogenase trifunctional multienzyme complex subunit alpha; minus strand). Cytogenetic location: 2p23.3.
Variant type: single nucleotide variant.
Coding change: c.1823G>C on transcript NM_000182.5 (MANE Select); coding-DNA position 1823, G replaced by C.
Protein change: p.Gly608Ala; replaces glycine 608 with alanine.
Molecular consequence: missense variant.
Genome position (GRCh38, 1-based): chr2:26,193,639, C>G on the plus strand (G>C on the coding strand, the complement: HADHA is on the minus strand). VCF-style: chr2-26193639-C-G. GRCh37 (hg19) VCF-style: chr2-26416508-C-G.
Other names: short protein forms G608A.
Identifiers: ClinVar variation 1195135 (VCV001195135.7), dbSNP rs1277103504, ClinGen allele CA346117702.

ClinVar aggregate classification (germline): Uncertain significance. Review status: criteria provided, multiple submitters, no conflicts (2 of 4 stars). 4 submissions from 4 submitters: Uncertain significance (3). 1 of the submissions does not count toward it. Last evaluated 2025-12-11.

Conditions:
Mitochondrial trifunctional protein deficiency. Identifiers: Orphanet 746, MedGen C1969443, MONDO:0012172.
Long chain 3-hydroxyacyl-CoA dehydrogenase deficiency. Also called: LCHAD Deficiency; Deficiency of long-chain 3-hydroxyacyl-coenzyme A dehydrogenase. Identifiers: Orphanet 5, MedGen C3711645, MONDO:0012173, OMIM 609016.
Inborn genetic diseases. Identifiers: MedGen C0950123, MeSH D030342.

Allele frequency attached by ClinVar (database versions not stated): gnomAD exomes below 0.00001 and 0.00001; gnomAD 0.00002; TOPMed 0.00004.
gnomAD v4.1: 16 of 1,614,008 alleles (0.00099%); highest among the groups gnomAD compares: Admixed American, 0.0017%; no homozygotes.

Submissions (4):

Ambry Genetics
Classification: Uncertain significance for Inborn genetic diseases. Last evaluated: 2025-12-11. Review status: criteria provided, single submitter. Criteria: Ambry Variant Classification Scheme 2023. Collection method: clinical testing. Allele origin: germline.

GeneDx
Classification: Uncertain significance. Last evaluated: 2025-07-28. Review status: criteria provided, single submitter. Criteria: GeneDx Variant Classification Process June 2021. Collection method: clinical testing. Allele origin: germline. Affected: yes.
Comment: Not observed at significant frequency in large population cohorts (gnomAD); In silico analysis supports that this missense variant has a deleterious effect on protein structure/function; Has not been previously published as pathogenic or benign to our knowledge

Labcorp Genetics (formerly Invitae), Labcorp
Classification: Uncertain significance for Mitochondrial trifunctional protein deficiency; Long chain 3-hydroxyacyl-CoA dehydrogenase deficiency. Last evaluated: 2024-08-31. Review status: criteria provided, single submitter. Criteria: Invitae Variant Classification Sherloc (09022015). Collection method: clinical testing. Allele origin: germline.
Comment: This sequence change replaces glycine, which is neutral and non-polar, with alanine, which is neutral and non-polar, at codon 608 of the HADHA protein (p.Gly608Ala). This variant is present in population databases (no rsID available, gnomAD 0.003%). This variant has not been reported in the literature in individuals affected with HADHA-related conditions. ClinVar contains an entry for this variant (Variation ID: 1195135). Invitae Evidence Modeling of protein sequence and biophysical properties (such as structural, functional, and spatial information, amino acid conservation, physicochemical variation, residue mobility, and thermodynamic stability) indicates that this missense variant is not expected to disrupt HADHA protein function with a negative predictive value of 80%. In summary, the available evidence is currently insufficient to determine the role of this variant in disease. Therefore, it has been classified as a Variant of Uncertain Significance.

Natera, Inc.
Classification: Uncertain significance for Deficiency of long-chain 3-hydroxyacyl-coenzyme A dehydrogenase. Last evaluated: 2021-05-25. Review status: no assertion criteria provided. Collection method: clinical testing. Allele origin: germline. Not counted in ClinVar's aggregate classification.